The following is an entry in ClinVar:

NM_001458.5(FLNC):c.1094A>G (p.Glu365Gly)

Gene: FLNC (filamin C; plus strand). Cytogenetic location: 7q32.1.
Variant type: single nucleotide variant.
Coding change: c.1094A>G on transcript NM_001458.5 (MANE Select); coding-DNA position 1094, A replaced by G.
Protein change: p.Glu365Gly; replaces glutamic acid 365 with glycine.
Molecular consequence: missense variant.
Genome position (GRCh38, 1-based): chr7:128,838,313, A>G. VCF-style: chr7-128838313-A-G. GRCh37 (hg19) VCF-style: chr7-128478367-A-G.
Other names: p.Glu365Gly; c.1094A>G, p.Glu365Gly (NM_001127487.2); short protein forms E365G.
Identifiers: ClinVar variation 539336 (VCV000539336.19), dbSNP rs752027721, ClinGen allele CA4474233.

ClinVar aggregate classification (germline): Conflicting classifications of pathogenicity. Review status: criteria provided, conflicting classifications (1 of 4 stars). 7 submissions from 7 submitters: Uncertain significance (5); Likely benign (2). Last evaluated 2026-06-30.

Conditions:
FLNC-related disorder. Also called: FLNC-related disorders; FLNC-related condition.
Cardiovascular phenotype. Identifiers: MedGen CN230736.
Hypertrophic cardiomyopathy 26. Also called: Cardiomyopathy, familial hypertrophic, 26. Identifiers: Orphanet 75249, MedGen C4310749, MONDO:0014883, OMIM 617047.
Distal myopathy with posterior leg and anterior hand involvement. Also called: WILLIAMS DISTAL MYOPATHY. Identifiers: Orphanet 63273, MedGen C3279722, MONDO:0013550, OMIM 614065.
Myofibrillar myopathy 5. Also called: Filaminopathy (type); FILAMINOPATHY, AUTOSOMAL DOMINANT. Identifiers: Orphanet 171445, MedGen C1836050, MONDO:0012289, OMIM 609524.

Allele frequency attached by ClinVar (database versions not stated): ExAC 0.00004; gnomAD exomes 0.00006 and 0.00020; TOPMed 0.00007; gnomAD 0.00010 and 0.00011.
gnomAD v4.1: 296 of 1,613,848 alleles (0.018%); highest among the groups gnomAD compares: Non-Finnish European, 0.024%; no homozygotes.

Submissions (7):

PreventionGenetics, part of Exact Sciences
Classification: Uncertain significance for FLNC-related condition. Last evaluated: 2026-06-30. Review status: criteria provided, single submitter. Criteria: ACMG Guidelines, 2015. Collection method: clinical testing. Allele origin: germline.
Comment: The FLNC c.1094A>G variant is predicted to result in the amino acid substitution p.Glu365Gly. To our knowledge, this variant has not been reported in the literature. This variant is reported in 0.012% of alleles in individuals of African descent in gnomAD. Although we suspect that this variant may be benign, at this time, the clinical significance of this variant is uncertain due to the absence of conclusive functional and genetic evidence.

GeneDx
Classification: Uncertain significance. Last evaluated: 2026-02-21. Review status: criteria provided, single submitter. Criteria: GeneDx Variant Classification Process June 2021. Collection method: clinical testing. Allele origin: germline.
Comment: In silico analysis supports that this missense variant has a deleterious effect on protein structure/function; Has not been previously published as pathogenic or benign to our knowledge

Labcorp Genetics (formerly Invitae), Labcorp
Classification: Likely benign for Distal myopathy with posterior leg and anterior hand involvement; Myofibrillar myopathy 5; Hypertrophic cardiomyopathy 26. Last evaluated: 2026-01-11. Review status: criteria provided, single submitter. Criteria: Invitae Variant Classification Sherloc (09022015). Collection method: clinical testing. Allele origin: germline.

Women's Health and Genetics/Laboratory Corporation of America, LabCorp
Classification: Likely benign. Last evaluated: 2025-02-28. Review status: criteria provided, single submitter. Criteria: LabCorp Variant Classification Summary - May 2015. Collection method: clinical testing. Allele origin: germline.
Comment: Variant summary: FLNC c.1094A>G (p.Glu365Gly) results in a non-conservative amino acid change in the encoded protein sequence. Three of five in-silico tools predict a benign effect of the variant on protein function. The variant allele was found at a frequency of 6e-05 in 249550 control chromosomes. The observed variant frequency is approximately 7.7 fold of the estimated maximal expected allele frequency for a pathogenic variant in FLNC causing Dilated Cardiomyopathy phenotype (7.8e-06). To our knowledge, no occurrence of c.1094A>G in individuals affected with Dilated Cardiomyopathy and no experimental evidence demonstrating its impact on protein function have been reported. ClinVar contains an entry for this variant (Variation ID: 539336). Based on the evidence outlined above, the variant was classified as likely benign.

Ambry Genetics
Classification: Uncertain significance for Cardiovascular phenotype. Last evaluated: 2024-03-06. Review status: criteria provided, single submitter. Criteria: Ambry Variant Classification Scheme 2023. Collection method: clinical testing. Allele origin: germline.
Comment: The p.E365G variant (also known as c.1094A>G), located in coding exon 7 of the FLNC gene, results from an A to G substitution at nucleotide position 1094. The glutamic acid at codon 365 is replaced by glycine, an amino acid with similar properties. This amino acid position is not well conserved in available vertebrate species. In addition, this alteration is predicted to be tolerated by in silico analysis. Since supporting evidence is limited at this time, the clinical significance of this alteration remains unclear.

Mayo Clinic Laboratories, Mayo Clinic
Classification: Uncertain significance. Last evaluated: 2022-12-21. Review status: criteria provided, single submitter. Criteria: ACMG Guidelines, 2015. Collection method: clinical testing. Allele origin: germline. Observed: 1 variant allele.

Revvity Omics, Revvity
Classification: Uncertain significance. Last evaluated: 2019-07-03. Review status: criteria provided, single submitter. Criteria: ACMG Guidelines, 2015. Collection method: clinical testing. Allele origin: germline.